The following is an entry in ClinVar:

NM_001244008.2(KIF1A):c.3640+4G>A

Gene: KIF1A (kinesin family member 1A; minus strand). Cytogenetic location: 2q37.3.
Variant type: single nucleotide variant.
Coding change: c.3640+4G>A on transcript NM_001244008.2 (MANE Select); 4 bases into the intron after coding-DNA position 3640, G replaced by A.
Molecular consequence: intron variant.
Genome position (GRCh38, 1-based): chr2:240,742,925, C>T on the plus strand (G>A on the coding strand, the complement: KIF1A is on the minus strand). VCF-style: chr2-240742925-C-T. GRCh37 (hg19) VCF-style: chr2-241682342-C-T.
Other names: c.3337+4G>A (NM_001379653.1, NM_001379650.1, NM_001379641.1 and 5 more transcripts); c.3613+4G>A (NM_001379645.1, NM_001379633.1, NM_001379642.1); c.3439+4G>A (NM_001379635.1, NM_001330290.2, NM_001379646.1 and 1 more transcripts); c.3334+4G>A (NM_001379640.1); c.3589+4G>A (NM_001379632.1); c.3412+4G>A (NM_001379637.1, NM_001379648.1); c.3364+4G>A (NM_001320705.2, NM_001379638.1, NM_001330289.2); c.3715+4G>A (NM_001379631.1).
Identifiers: ClinVar variation 2018689 (VCV002018689.4), dbSNP rs2537210206, ClinGen allele CA2580068003.

ClinVar aggregate classification (germline): Uncertain significance (1 of 4 stars; one submission).

Conditions:
Hereditary spastic paraplegia 30. Identifiers: Orphanet 101010, MedGen C5235139, MONDO:0012476.
Neuropathy, hereditary sensory, type 2C. Also called: Hereditary sensory and autonomic neuropathy type IIC; KIF1A-Related HSAN2 (HSAN2C). Identifiers: Orphanet 970, MedGen C3280168, MONDO:0013634, OMIM 614213.
Intellectual disability, autosomal dominant 9 (NESCAVS). Also called: NESCAV SYNDROME; KIF1A-Related Neurodevelopmental Disorder. Identifiers: Orphanet 662367, MedGen C5393830, MONDO:0013656, OMIM 614255.

Submission:

Labcorp Genetics (formerly Invitae), Labcorp
Classification: Uncertain significance for Hereditary spastic paraplegia 30; Neuropathy, hereditary sensory, type 2C; Intellectual disability, autosomal dominant 9. Last evaluated: 2023-12-06. Review status: criteria provided, single submitter. Criteria: Invitae Variant Classification Sherloc (09022015). Collection method: clinical testing. Allele origin: germline.
Comment: This sequence change falls in intron 31 of the KIF1A gene. It does not directly change the encoded amino acid sequence of the KIF1A protein. It affects a nucleotide within the consensus splice site. This variant is not present in population databases (gnomAD no frequency). This variant has not been reported in the literature in individuals affected with KIF1A-related conditions. ClinVar contains an entry for this variant (Variation ID: 2018689). Variants that disrupt the consensus splice site are a relatively common cause of aberrant splicing (PMID: 17576681, 9536098). Algorithms developed to predict the effect of sequence changes on RNA splicing suggest that this variant is not likely to affect RNA splicing. In summary, the available evidence is currently insufficient to determine the role of this variant in disease. Therefore, it has been classified as a Variant of Uncertain Significance.

Literature cited by the submitters: PubMed 17576681; PubMed 9536098.